The following is an entry in ClinVar:

ClinVar aggregate classification (germline): Uncertain significance (1 of 4 stars; one submission).

Conditions:
Inborn genetic diseases. Identifiers: MedGen C0950123, MeSH D030342.

Allele frequency attached by ClinVar (database versions not stated): ExAC 0.00004; TOPMed 0.00006; gnomAD 0.00010.
gnomAD v4.1: 80 of 1,612,864 alleles (0.005%); highest among the groups gnomAD compares: Middle Eastern, 0.016%; no homozygotes.

Submission:

Ambry Genetics
Classification: Uncertain significance for Inborn genetic diseases. Last evaluated: 2017-04-24. Review status: criteria provided, single submitter. Criteria: Ambry Variant Classification Scheme 2023. Collection method: clinical testing. Allele origin: germline.
Comment: The p.S432C variant (also known as c.1295C>G), located in coding exon 9 of the MAN1B1 gene, results from a C to G substitution at nucleotide position 1295. The serine at codon 432 is replaced by cysteine, an amino acid with dissimilar properties. This amino acid position is not well conserved in available vertebrate species. In addition, this alteration is predicted to be tolerated by in silico analysis. Since supporting evidence is limited at this time, the clinical significance of this alteration remains unclear.

NM_016219.5(MAN1B1):c.1295C>G (p.Ser432Cys)

Gene: MAN1B1 (mannosidase alpha class 1B member 1; plus strand). Cytogenetic location: 9q34.3.
Variant type: single nucleotide variant.
Coding change: c.1295C>G on transcript NM_016219.5 (MANE Select); coding-DNA position 1295, C replaced by G.
Protein change: p.Ser432Cys; replaces serine 432 with cysteine.
Molecular consequence: missense variant. On other transcripts: non-coding transcript variant (2).
Genome position (GRCh38, 1-based): chr9:137,106,165, C>G. VCF-style: chr9-137106165-C-G. GRCh37 (hg19) VCF-style: chr9-140000617-C-G.
Other names: short protein forms S432C.
Identifiers: ClinVar variation 589629 (VCV000589629.5), dbSNP rs774832284, ClinGen allele CA5359176.
Genomic context (GRCh38, chr9:137,106,165, plus strand): 5'-CATCCCCCTTTCTGCCGCAGGAGGCAGTGGAGAAGGTGACACAGCACATCCACGGCCTGT[C>G]TGGGAAGAAGGATGGGCTGGTGCCCATGTTCATCAATACCCACAGTGGCCTCTTCACCCA-3'
Protein context (NP_057303.2, residues 422-442): EKVTQHIHGL[Ser432Cys]GKKDGLVPMF